The following is an entry in ClinVar:

ClinVar aggregate classification (germline): Uncertain significance (1 of 4 stars; one submission).

Conditions:
Inborn genetic diseases. Identifiers: MedGen C0950123, MeSH D030342.

Submission:

Ambry Genetics
Classification: Uncertain significance for Inborn genetic diseases. Last evaluated: 2026-05-14. Review status: criteria provided, single submitter. Criteria: Ambry Variant Classification Scheme 2023. Collection method: clinical testing. Allele origin: germline.
Comment: The p.P1173T variant (also known as c.3517C>A), located in coding exon 21 of the RECQL4 gene, results from a C to A substitution at nucleotide position 3517. The proline at codon 1173 is replaced by threonine, an amino acid with highly similar properties. This amino acid position is conserved. In addition, this alteration is predicted to be deleterious by in silico analysis. Based on the available evidence, the clinical significance of this variant remains unclear.

NM_004260.4(RECQL4):c.3517C>A (p.Pro1173Thr)

Gene: RECQL4 (RecQ like helicase 4; minus strand). Cytogenetic location: 8q24.3.
Variant type: single nucleotide variant.
Coding change: c.3517C>A on transcript NM_004260.4 (MANE Select); coding-DNA position 3517, C replaced by A.
Protein change: p.Pro1173Thr; replaces proline 1173 with threonine.
Molecular consequence: missense variant. On other transcripts: non-coding transcript variant (3).
Genome position (GRCh38, 1-based): chr8:144,511,541, G>T on the plus strand (C>A on the coding strand, the complement: RECQL4 is on the minus strand). VCF-style: chr8-144511541-G-T. GRCh37 (hg19) VCF-style: chr8-145736924-G-T.
Other names: c.3487C>A, p.Pro1163Thr (NM_001413039.1); c.2446C>A, p.Pro816Thr (NM_001413040.1, NM_001413021.1, NM_001413022.1 and 4 more transcripts); c.2455C>A, p.Pro819Thr (NM_001413041.1); c.2416C>A, p.Pro806Thr (NM_001413042.1); c.2050C>A, p.Pro684Thr (NM_001413043.1); c.3223C>A, p.Pro1075Thr (NM_001413017.1); c.3319C>A, p.Pro1107Thr (NM_001413018.1); c.3592C>A, p.Pro1198Thr (NM_001413019.1); and 9 more; short protein forms P1056T, P1075T, P1107T, P1129T, P1130T, P1141T, P1163T, P1173T.
Identifiers: ClinVar variation 4863187 (VCV004863187.1).
Genomic context (GRCh38, chr8:144,511,541, plus strand): 5'-GGAAGCTCAGGTGCAGGTATTTTCTCCAGAAGCGTCGGTCCTGCCCGTACACCTGGGCCG[G>T]GTAGCAGGGGCTTCCTACGGTGGAGCCAAGACACAGCCGTGAGCCCCAGCCCCAGCCTGC-3'
Protein context (NP_004251.4, residues 1163-1183): IFHGIGSPCY[Pro1173Thr]AQVYGQDRRF